The following is an entry in ClinVar:

ClinVar aggregate classification (germline): Likely benign. Review status: criteria provided, multiple submitters, no conflicts (2 of 4 stars). 4 submissions from 4 submitters: Likely benign (4). Last evaluated 2024-10-29.

Conditions:
Hereditary cancer-predisposing syndrome. Also called: Tumor predisposition; Hereditary Cancer Syndrome; Neoplastic Syndromes, Hereditary; Hereditary neoplastic syndrome. Identifiers: Orphanet 140162, MedGen C0027672, MeSH D009386, MONDO:0015356.
Lynch syndrome. Identifiers: Orphanet 144, MedGen C4552100, MONDO:0005835. Disease mechanism: loss of function.
Hereditary nonpolyposis colorectal neoplasms. Identifiers: MedGen C0009405, MeSH D003123.

Submissions (4):

Ambry Genetics
Classification: Likely benign for Hereditary cancer-predisposing syndrome. Last evaluated: 2024-10-29. Review status: criteria provided, single submitter. Criteria: Ambry Variant Classification Scheme 2023. Collection method: clinical testing. Allele origin: germline.

All of Us Research Program, National Institutes of Health
Classification: Likely benign for Lynch syndrome. Last evaluated: 2024-05-14. Review status: criteria provided, single submitter. Criteria: ACMG Guidelines, 2015. Collection method: clinical testing. Allele origin: germline. Inheritance: Autosomal dominant inheritance. Observed: 1 variant allele, 1 heterozygote.
Comment: This study involves interpretation of variants in research participants for the purpose of population health screening. Participant phenotype was not available at the time of variant classification. Additional details can be found in publication PMID: 35346344, PMCID: PMC8962531

Labcorp Genetics (formerly Invitae), Labcorp
Classification: Likely benign for Hereditary nonpolyposis colorectal neoplasms. Last evaluated: 2023-02-24. Review status: criteria provided, single submitter. Criteria: Invitae Variant Classification Sherloc (09022015). Collection method: clinical testing. Allele origin: germline.

Color Diagnostics, LLC DBA Color Health
Classification: Likely benign for Hereditary cancer-predisposing syndrome. Last evaluated: 2022-11-07. Review status: criteria provided, single submitter. Criteria: ACMG Guidelines, 2015. Collection method: clinical testing. Allele origin: germline.

NM_000535.7(PMS2):c.1548C>T (p.Ser516=)

Gene: PMS2 (PMS1 homolog 2, mismatch repair system component; minus strand). Cytogenetic location: 7p22.1.
Variant type: single nucleotide variant.
Coding change: c.1548C>T on transcript NM_000535.7 (MANE Select); coding-DNA position 1548, C replaced by T.
Protein change: p.Ser516=; no amino-acid change (serine 516 retained).
Molecular consequence: synonymous variant. On other transcripts: non-coding transcript variant (1), intron variant (1).
Genome position (GRCh38, 1-based): chr7:5,987,217, G>A on the plus strand (C>T on the coding strand, the complement: PMS2 is on the minus strand). VCF-style: chr7-5987217-G-A. GRCh37 (hg19) VCF-style: chr7-6026848-G-A.
Other names: c.1143C>T, p.Ser381= (NM_001018040.1, NM_001322003.2, NM_001322004.2 and 17 more transcripts); c.1392C>T, p.Ser464= (NM_001322006.2, NM_001406870.1); c.1230C>T, p.Ser410= (NM_001322007.2, NM_001322008.2, NM_001406876.1 and 2 more transcripts); c.987C>T, p.Ser329= (NM_001322010.2, NM_001406906.1, NM_001406907.1); c.615C>T, p.Ser205= (NM_001322011.2, NM_001322012.2); c.975C>T, p.Ser325= (NM_001322013.2, NM_001406909.1); c.1548C>T, p.Ser516= (NM_001322014.2, NM_001406871.1, NM_001406872.1); c.1239C>T, p.Ser413= (NM_001322015.2, NM_001406875.1, NM_001406877.1 and 5 more transcripts); and 13 more.
Identifiers: ClinVar variation 2737705 (VCV002737705.6), dbSNP rs1275291246, ClinGen allele CA453747477.